The following is an entry in ClinVar:

NM_015378.4(VPS13D):c.10917+3A>G

Gene: VPS13D (vacuolar protein sorting 13 homolog D; plus strand). Cytogenetic location: 1p36.22.
Variant type: single nucleotide variant.
Coding change: c.10917+3A>G on transcript NM_015378.4 (MANE Select); 3 bases into the intron after coding-DNA position 10917, A replaced by G.
Molecular consequence: intron variant.
Genome position (GRCh38, 1-based): chr1:12,373,861, A>G. VCF-style: chr1-12373861-A-G. GRCh37 (hg19) VCF-style: chr1-12433916-A-G.
Other names: c.10842+3A>G (NM_018156.4).
Identifiers: ClinVar variation 2001462 (VCV002001462.4), dbSNP rs2524459363, ClinGen allele CA2580060568.

ClinVar aggregate classification (germline): Uncertain significance (1 of 4 stars; one submission).

Allele frequency attached by ClinVar (database versions not stated): gnomAD exomes below 0.00001.
gnomAD v4.1: 1 of 1,600,776 alleles (0.000062%); highest among the groups gnomAD compares: Non-Finnish European, 0.000085%; no homozygotes.

Submission:

Labcorp Genetics (formerly Invitae), Labcorp
Classification: Uncertain significance. Last evaluated: 2022-06-09. Review status: criteria provided, single submitter. Criteria: Invitae Variant Classification Sherloc (09022015). Collection method: clinical testing. Allele origin: germline.
Comment: In summary, the available evidence is currently insufficient to determine the role of this variant in disease. Therefore, it has been classified as a Variant of Uncertain Significance. Variants that disrupt the consensus splice site are a relatively common cause of aberrant splicing (PMID: 17576681, 9536098). Algorithms developed to predict the effect of sequence changes on RNA splicing suggest that this variant may disrupt the consensus splice site. This variant has not been reported in the literature in individuals affected with VPS13D-related conditions. This variant is not present in population databases (gnomAD no frequency). This sequence change falls in intron 55 of the VPS13D gene. It does not directly change the encoded amino acid sequence of the VPS13D protein. It affects a nucleotide within the consensus splice site.

Literature cited by the submitters: PubMed 17576681; PubMed 9536098.